The following is an entry in ClinVar:

NM_198999.3(SLC26A5):c.1672C>T (p.Arg558Ter)

Gene: SLC26A5 (solute carrier family 26 member 5; minus strand). Cytogenetic location: 7q22.1.
Variant type: single nucleotide variant.
Coding change: c.1672C>T on transcript NM_198999.3 (MANE Select); coding-DNA position 1672, C replaced by T.
Protein change: p.Arg558Ter; replaces arginine 558 with a stop codon.
Molecular consequence: nonsense. On other transcripts: non-coding transcript variant (5), intron variant (2).
Genome position (GRCh38, 1-based): chr7:103,379,248, G>A on the plus strand (C>T on the coding strand, the complement: SLC26A5 is on the minus strand). VCF-style: chr7-103379248-G-A. GRCh37 (hg19) VCF-style: chr7-103019695-G-A.
Other names: c.1672C>T (NM_198999.2); c.1576C>T, p.Arg526Ter (NM_001167962.2, NM_001321787.2); c.1672C>T, p.Arg558Ter (NM_206883.3); c.971+18684C>T (NM_206885.3); c.1514+9760C>T (NM_206884.3); short protein forms R526*, R558*.
Identifiers: ClinVar variation 4897289 (VCV004897289.2).

ClinVar aggregate classification (germline): Uncertain significance. Review status: criteria provided, multiple submitters, no conflicts (2 of 4 stars). 2 submissions from 2 submitters: Uncertain significance (2). Last evaluated 2025-10-06.

Conditions:
SLC26A5-related disorder. Also called: SLC26A5-related condition.

gnomAD v4.1: 11 of 1,605,318 alleles (0.00069%); highest among the groups gnomAD compares: African/African-American, 0.0013%; no homozygotes.

Submissions (2):

PreventionGenetics, part of Exact Sciences
Classification: Uncertain significance for SLC26A5-related condition. Last evaluated: 2025-10-06. Review status: criteria provided, single submitter. Criteria: ACMG Guidelines, 2015. Collection method: clinical testing. Allele origin: germline.
Comment: The SLC26A5 c.1672C>T variant is predicted to result in premature protein termination (p.Arg558*). To our knowledge, this variant has not been reported in the literature. This variant is reported in 0.0040% of alleles in individuals of African descent in gnomAD. At this time, the clinical significance of this variant is uncertain due to the absence of conclusive functional and genetic evidence.

Blueprint Genetics
Classification: Uncertain significance. Last evaluated: 2023-08-03. Review status: criteria provided, single submitter. Criteria: ACMG Guidelines, 2015. Collection method: clinical testing. Allele origin: germline.